The following is an entry in ClinVar:

NM_005502.4(ABCA1):c.4222C>T (p.Leu1408Phe)

Gene: ABCA1 (ATP binding cassette subfamily A member 1; minus strand). Cytogenetic location: 9q31.1.
Variant type: single nucleotide variant.
Coding change: c.4222C>T on transcript NM_005502.4 (MANE Select); coding-DNA position 4222, C replaced by T.
Protein change: p.Leu1408Phe; replaces leucine 1408 with phenylalanine.
Molecular consequence: missense variant.
Genome position (GRCh38, 1-based): chr9:104,809,518, G>A on the plus strand (C>T on the coding strand, the complement: ABCA1 is on the minus strand). VCF-style: chr9-104809518-G-A. GRCh37 (hg19) VCF-style: chr9-107571799-G-A.
Other names: short protein forms L1408F.
Identifiers: ClinVar variation 364403 (VCV000364403.13), dbSNP rs201879964, ClinGen allele CA5168198.

ClinVar aggregate classification (germline): Benign/Likely benign. Review status: criteria provided, multiple submitters, no conflicts (2 of 4 stars). 4 submissions from 3 submitters: Benign (1); Likely benign (3). Last evaluated 2026-01-25.

Conditions:
Tangier disease (TGD). Also called: HIGH DENSITY LIPOPROTEIN DEFICIENCY, TANGIER TYPE; HIGH DENSITY LIPOPROTEIN DEFICIENCY, TYPE 1; Cholesterol thesaurismosis. Identifiers: Orphanet 31150, MedGen C0039292, MONDO:0008783, OMIM 205400.
Hypoalphalipoproteinemia, primary, 1. Identifiers: Orphanet 425, MedGen C5231558, MONDO:0011393, OMIM 604091.

Allele frequency attached by ClinVar (database versions not stated): gnomAD 0.00004; 1000 Genomes Project 30x 0.00016; TOPMed 0.00018; gnomAD exomes 0.00019 and 0.00043; 1000 Genomes Project 0.00020; ExAC 0.00035.
gnomAD v4.1: 120 of 1,614,210 alleles (0.0074%); highest among the groups gnomAD compares: Admixed American, 0.2%; no homozygotes.

Submissions (4):

Labcorp Genetics (formerly Invitae), Labcorp
Classification: Likely benign. Last evaluated: 2026-01-25. Review status: criteria provided, single submitter. Criteria: Invitae Variant Classification Sherloc (09022015). Collection method: clinical testing. Allele origin: germline.

Illumina Laboratory Services, Illumina
Classification: Benign for Hypoalphalipoproteinemia, primary, 1. Last evaluated: 2018-01-12. Review status: criteria provided, single submitter. Criteria: ICSL Variant Classification Criteria 13 December 2019. Collection method: clinical testing. Allele origin: germline.
Comment: This variant was observed in the ICSL laboratory as part of a predisposition screen in an ostensibly healthy population. It had not been previously curated by ICSL or reported in the Human Gene Mutation Database (HGMD: prior to June 1st, 2018), and was therefore a candidate for classification through an automated scoring system. Utilizing variant allele frequency, disease prevalence and penetrance estimates, and inheritance mode, an automated score was calculated to assess if this variant is too frequent to cause the disease. Based on the score and internal cut-off values, a variant classified as benign is not then subjected to further curation. The score for this variant resulted in a classification of benign for this disease.

Illumina Laboratory Services, Illumina
Classification: Likely benign for Tangier disease. Last evaluated: 2018-01-12. Review status: criteria provided, single submitter. Criteria: ICSL Variant Classification Criteria 13 December 2019. Collection method: clinical testing. Allele origin: germline.
Comment: This variant was observed in the ICSL laboratory as part of a predisposition screen in an ostensibly healthy population. It had not been previously curated by ICSL or reported in the Human Gene Mutation Database (HGMD: prior to June 1st, 2018), and was therefore a candidate for classification through an automated scoring system. Utilizing variant allele frequency, disease prevalence and penetrance estimates, and inheritance mode, an automated score was calculated to assess if this variant is too frequent to cause the disease. Based on the score and internal cut-off values, a variant classified as likely benign is not then subjected to further curation. The score for this variant resulted in a classification of likely benign for this disease.

Breakthrough Genomics
Classification: Likely benign. Review status: criteria provided, single submitter. Criteria: ACMG Guidelines, 2015. Collection method: not provided. Allele origin: germline. Inheritance: Autosomal recessive inheritance. Affected: yes.